The following is an entry in ClinVar:

NM_001267550.2(TTN):c.84524G>A (p.Trp28175Ter)

Genes: TTN-AS1 (TTN antisense RNA 1; plus strand), TTN (titin; minus strand). Cytogenetic location: 2q31.2.
Variant type: single nucleotide variant.
Coding change: c.84524G>A on transcript NM_001267550.2 (MANE Select); coding-DNA position 84524, G replaced by A.
Protein change: p.Trp28175Ter; replaces tryptophan 28175 with a stop codon.
Molecular consequence: nonsense.
Genome position (GRCh38, 1-based): chr2:178,561,608, C>T on the plus strand (G>A on the coding strand, the complement: TTN is on the minus strand). VCF-style: chr2-178561608-C-T. GRCh37 (hg19) VCF-style: chr2-179426335-C-T.
Other names: c.79601G>A, p.Trp26534Ter (NM_001256850.1); c.57329G>A, p.Trp19110Ter (NM_003319.4); c.76820G>A, p.Trp25607Ter (NM_133378.4); c.57704G>A, p.Trp19235Ter (NM_133432.3); c.57905G>A, p.Trp19302Ter (NM_133437.4); short protein forms W19110*, W19235*, W19302*, W25607*, W26534*, W28175*.
Identifiers: ClinVar variation 1284511 (VCV001284511.5), dbSNP rs2154159874, ClinGen allele CA349559569.

ClinVar aggregate classification (germline): Likely pathogenic. Review status: criteria provided, single submitter (1 of 4 stars). 3 submissions from 3 submitters: Likely pathogenic (1). 2 of the submissions do not count toward it. Last evaluated 2023-03-13.

Conditions:
Dilated cardiomyopathy 1G (CMD1G). Identifiers: Orphanet 154, MedGen C1858763, MONDO:0011400, OMIM 604145.
Autosomal recessive limb-girdle muscular dystrophy type 2J (LGMDR10). Also called: MUSCULAR DYSTROPHY, LIMB-GIRDLE, AUTOSOMAL RECESSIVE 10; Limb-girdle muscular dystrophy, type 2J. Identifiers: Orphanet 140922, MedGen C1837342, MONDO:0012127, OMIM 608807.

Submissions (3):

Labcorp Genetics (formerly Invitae), Labcorp
Classification: Likely pathogenic for Dilated cardiomyopathy 1G; Autosomal recessive limb-girdle muscular dystrophy type 2J. Last evaluated: 2023-03-13. Review status: criteria provided, single submitter. Criteria: Invitae Variant Classification Sherloc (09022015). Collection method: clinical testing. Allele origin: germline.
Comment: In summary, the currently available evidence indicates that the variant is pathogenic, but additional data are needed to prove that conclusively. Therefore, this variant has been classified as Likely Pathogenic. This variant is located in the A band of TTN (PMID: 25589632). Truncating variants in this region are significantly overrepresented in patients affected with dilated cardiomyopathy (PMID: 25589632). Truncating variants in this region have also been reported in individuals affected with autosomal recessive centronuclear myopathy (PMID: 23975875). ClinVar contains an entry for this variant (Variation ID: 1284511). This premature translational stop signal has been observed in individual(s) with dilated cardiomyopathy (PMID: 31112426). This variant is not present in population databases (gnomAD no frequency). This sequence change creates a premature translational stop signal (p.Trp28175*) in the TTN gene. While this is not anticipated to result in nonsense mediated decay, it is expected to create a truncated TTN protein.

Clinical Genetics, Academic Medical Center
Classification: Likely pathogenic. Review status: no assertion criteria provided. Collection method: clinical testing. Allele origin: germline. Affected: yes. Study: VKGL Data-share Consensus. Not counted in ClinVar's aggregate classification.

Genome Diagnostics Laboratory, University Medical Center Utrecht
Classification: Pathogenic. Review status: no assertion criteria provided. Collection method: clinical testing. Allele origin: germline. Affected: yes. Study: VKGL Data-share Consensus. Not counted in ClinVar's aggregate classification.

Literature cited by the submitters: PubMed 25589632 (cited by Labcorp Genetics (formerly Invitae), Labcorp); PubMed 23975875 (cited by Labcorp Genetics (formerly Invitae), Labcorp); PubMed 31112426 (cited by Labcorp Genetics (formerly Invitae), Labcorp).